The following is an entry in ClinVar:

ClinVar aggregate classification (germline): Likely benign. Review status: criteria provided, multiple submitters, no conflicts (2 of 4 stars). 3 submissions from 3 submitters: Likely benign (2). 1 of the submissions does not count toward it. Last evaluated 2026-07-01.

Conditions:
MAPRE2-related disorder. Also called: MAPRE2-related condition.

Allele frequency attached by ClinVar (database versions not stated): gnomAD 0.00005 and 0.00006; TOPMed 0.00008; ExAC 0.00002.
gnomAD v4.1: 22 of 1,611,936 alleles (0.0014%); highest among the groups gnomAD compares: Admixed American, 0.017%; no homozygotes.

Submissions (3):

CeGaT Center for Human Genetics Tuebingen
Classification: Likely benign. Last evaluated: 2026-07-01. Review status: criteria provided, single submitter. Criteria: CeGaT Center For Human Genetics Tuebingen Variant Classification Criteria Version 2. Collection method: clinical testing. Allele origin: germline. Affected: yes. Observed: 1 variant allele.
Comment: MAPRE2: BP4, BP7

Labcorp Genetics (formerly Invitae), Labcorp
Classification: Likely benign. Last evaluated: 2017-06-28. Review status: criteria provided, single submitter. Criteria: Invitae Variant Classification Sherloc (09022015). Collection method: clinical testing. Allele origin: germline.

PreventionGenetics, part of Exact Sciences
Classification: Likely benign for MAPRE2-related condition. Last evaluated: 2019-06-20. Review status: no assertion criteria provided. Collection method: clinical testing. Allele origin: germline. Not counted in ClinVar's aggregate classification.
Comment: This variant is classified as likely benign based on ACMG/AMP sequence variant interpretation guidelines (Richards et al. 2015 PMID: 25741868, with internal and published modifications).

NM_014268.4(MAPRE2):c.387C>T (p.Asn129=)

Gene: MAPRE2 (microtubule associated protein RP/EB family member 2; plus strand). Cytogenetic location: 18q12.1.
Variant type: single nucleotide variant.
Coding change: c.387C>T on transcript NM_014268.4 (MANE Select); coding-DNA position 387, C replaced by T.
Protein change: p.Asn129=; no amino-acid change (asparagine 129 retained).
Molecular consequence: synonymous variant. On other transcripts: non-coding transcript variant (1).
Genome position (GRCh38, 1-based): chr18:35,097,582, C>T. VCF-style: chr18-35097582-C-T. GRCh37 (hg19) VCF-style: chr18-32677546-C-T.
Other names: c.258C>T, p.Asn86= (NM_001143826.3); c.351C>T, p.Asn117= (NM_001143827.3); c.228C>T, p.Asn76= (NM_001256420.2).
Identifiers: ClinVar variation 782613 (VCV000782613.6), dbSNP rs750392221, ClinGen allele CA8936117.